The following is an entry in ClinVar:

ClinVar aggregate classification (germline): Conflicting classifications of pathogenicity. Review status: criteria provided, conflicting classifications (1 of 4 stars). 4 submissions from 4 submitters: Uncertain significance (2); Likely benign (1). 1 of the submissions does not count toward it. Last evaluated 2025-04-04.

Conditions:
Hereditary cancer-predisposing syndrome. Also called: Tumor predisposition; Hereditary Cancer Syndrome; Neoplastic Syndromes, Hereditary; Hereditary neoplastic syndrome. Identifiers: Orphanet 140162, MedGen C0027672, MeSH D009386, MONDO:0015356.
Familial cancer of breast. Also called: Hereditary breast cancer; hereditary breast carcinoma; BREAST CANCER, FAMILIAL. Identifiers: Orphanet 227535, MedGen C0346153, MONDO:0016419, OMIM 114480. Disease mechanism: loss of function.
Ataxia-telangiectasia syndrome (AT). Also called: Cerebello-oculocutaneous telangiectasia; Immunodeficiency with ataxia telangiectasia; Ataxia-telangiectasia, complementation group D; AT, COMPLEMENTATION GROUP C; Ataxia-telangiectasia, complementation group E; LOUIS-BAR SYNDROME. Identifiers: Orphanet 100, MedGen C0004135, MONDO:0008840, OMIM 208900.

Submissions (4):

Ambry Genetics
Classification: Likely benign for Hereditary cancer-predisposing syndrome. Last evaluated: 2025-04-04. Review status: criteria provided, single submitter. Criteria: Ambry Variant Classification Scheme 2023. Collection method: clinical testing. Allele origin: germline.

MGZ Medical Genetics Center
Classification: Uncertain significance for Familial cancer of breast. Last evaluated: 2021-08-16. Review status: criteria provided, single submitter. Criteria: ACMG Guidelines, 2015. Collection method: clinical testing. Allele origin: germline. Affected: yes. Observed: 1 variant allele.
Comment: ACMG criteria applied: PM2_SUP

Labcorp Genetics (formerly Invitae), Labcorp
Classification: Uncertain significance for Ataxia-telangiectasia syndrome. Last evaluated: 2017-03-15. Review status: criteria provided, single submitter. Criteria: Invitae Variant Classification Sherloc (09022015). Collection method: clinical testing. Allele origin: germline.
Comment: This sequence change replaces alanine with valine at codon 1694 of the ATM protein (p.Ala1694Val). The alanine residue is weakly conserved and there is a small physicochemical difference between alanine and valine. This variant is not present in population databases (ExAC no frequency) and has not been reported in the literature in individuals with an ATM-related disease. Algorithms developed to predict the effect of missense changes on protein structure and function (SIFT, PolyPhen-2, Align-GVGD) all suggest that this variant is likely to be tolerated, but these predictions have not been confirmed by published functional studies. Algorithms developed to predict the effect of sequence changes on RNA splicing suggest that this variant may alter RNA splicing, but this prediction has not been confirmed by published transcriptional studies. In summary, this variant is a novel missense change with uncertain impact on protein function. It has been classified as a Variant of Uncertain Significance.

Natera, Inc.
Classification: Uncertain significance for Ataxia-telangiectasia. Last evaluated: 2025-03-27. Review status: no assertion criteria provided. Collection method: clinical testing. Allele origin: germline. Not counted in ClinVar's aggregate classification.

NM_000051.4(ATM):c.5081C>T (p.Ala1694Val)

Gene: ATM (ATM serine/threonine kinase; plus strand). Cytogenetic location: 11q22.3.
Variant type: single nucleotide variant.
Coding change: c.5081C>T on transcript NM_000051.4 (MANE Select); coding-DNA position 5081, C replaced by T.
Protein change: p.Ala1694Val; replaces alanine 1694 with valine.
Molecular consequence: missense variant.
Genome position (GRCh38, 1-based): chr11:108,299,789, C>T. VCF-style: chr11-108299789-C-T. GRCh37 (hg19) VCF-style: chr11-108170516-C-T.
Other names: c.5081C>T, p.Ala1694Val (NM_001351834.2); short protein forms A1694V.
Identifiers: ClinVar variation 453559 (VCV000453559.12), dbSNP rs587782551, ClinGen allele CA382540630.